The following is an entry in ClinVar:

NM_000548.5(TSC2):c.1537del (p.Val513fs)

Gene: TSC2 (TSC complex subunit 2; plus strand). Cytogenetic location: 16p13.3.
Variant type: Deletion.
Coding change: c.1537del on transcript NM_000548.5 (MANE Select); coding-DNA position 1537, one base deleted (G; older notation c.1537delG).
Protein change: p.Val513fs; shifts the reading frame from valine 513.
Molecular consequence: frameshift variant. On other transcripts: 5 prime UTR variant (1), non-coding transcript variant (5).
Genome position (GRCh38, 1-based): chr16:2,064,365, G deleted; the last of 2 consecutive G bases (chr16:2,064,364-2,064,365); deleting either gives the same sequence. VCF-style (leftmost placement, unchanged base first): chr16-2064363-TG-T. GRCh37 (hg19) VCF-style: chr16-2114364-TG-T.
Other names: c.1537del, p.Val513fs (NM_001077183.3, NM_001114382.3, NM_001363528.2 and 6 more transcripts); c.1426del, p.Val476fs (NM_001318827.2, NM_001406670.1, NM_001406678.1); c.1390del, p.Val464fs (NM_001318829.2, NM_001406675.1, NM_001406676.1 and 1 more transcripts); c.937del, p.Val313fs (NM_001318831.2, NM_001406680.1, NM_001406682.1 and 6 more transcripts); c.1570del, p.Val524fs (NM_001318832.2); c.1627del, p.Val543fs (NM_001406667.1, NM_001406668.1); c.1525del, p.Val509fs (NM_001406671.1, NM_001406673.1); c.1480del, p.Val494fs (NM_001406677.1); and 3 more; short protein forms V313fs, V359fs, V464fs, V476fs, V494fs, V509fs, V513fs, V524fs.
Identifiers: ClinVar variation 4795186 (VCV004795186.1).

ClinVar aggregate classification (germline): Pathogenic (1 of 4 stars; one submission).

Conditions:
Tuberous sclerosis 2 (TSC2). Identifiers: Orphanet 805, MedGen C1860707, MONDO:0013199, OMIM 613254.

Submission:

Laboratorio de Biologia Molecular/Medicina Genomica - IFF/Fiocruz, Instituto Fernandes Figueira, Fundacao Oswaldo Cruz
Classification: Pathogenic for Tuberous sclerosis 2. Last evaluated: 2025-09-02. Review status: criteria provided, single submitter. Criteria: ACMG Guidelines, 2015. Collection method: clinical testing. Allele origin: germline. Affected: yes. Observed: 1 variant allele.
Comment: Variant: c.1537del (p.Val513TrpfsTer22) in exon 15 of the TSC2 gene. Protein effect: Frameshift variant predicted to undergo NMD in a gene where LoF is a known mechanism of disease. Population database (gnomAD): Absent. ACMG/AMP criteria applied: PVS1, PM2_Supporting, PP4_Strong.